The following is an entry in ClinVar:

NM_004984.4(KIF5A):c.2788T>C (p.Ser930Pro)

Gene: KIF5A (kinesin family member 5A; plus strand). Cytogenetic location: 12q13.3.
Variant type: single nucleotide variant.
Coding change: c.2788T>C on transcript NM_004984.4 (MANE Select); coding-DNA position 2788, T replaced by C.
Protein change: p.Ser930Pro; replaces serine 930 with proline.
Molecular consequence: missense variant.
Genome position (GRCh38, 1-based): chr12:57,581,447, T>C. VCF-style: chr12-57581447-T-C. GRCh37 (hg19) VCF-style: chr12-57975230-T-C.
Other names: c.2521T>C, p.Ser841Pro (NM_001354705.2); short protein forms S930P, S841P.
Identifiers: ClinVar variation 2812249 (VCV002812249.3), dbSNP rs2540515465, ClinGen allele CA385515660.

ClinVar aggregate classification (germline): Uncertain significance (1 of 4 stars; one submission).

Conditions:
Spastic paraplegia. Identifiers: MedGen C0037772, HP:0001258.

Submission:

Labcorp Genetics (formerly Invitae), Labcorp
Classification: Uncertain significance for Spastic paraplegia. Last evaluated: 2022-11-05. Review status: criteria provided, single submitter. Criteria: Invitae Variant Classification Sherloc (09022015). Collection method: clinical testing. Allele origin: germline.
Comment: This variant is not present in population databases (gnomAD no frequency). This variant has not been reported in the literature in individuals affected with KIF5A-related conditions. This sequence change replaces serine, which is neutral and polar, with proline, which is neutral and non-polar, at codon 930 of the KIF5A protein (p.Ser930Pro). Advanced modeling of protein sequence and biophysical properties (such as structural, functional, and spatial information, amino acid conservation, physicochemical variation, residue mobility, and thermodynamic stability) has been performed at Invitae for this missense variant, however the output from this modeling did not meet the statistical confidence thresholds required to predict the impact of this variant on KIF5A protein function. In summary, the available evidence is currently insufficient to determine the role of this variant in disease. Therefore, it has been classified as a Variant of Uncertain Significance.